The following is an entry in ClinVar:

NM_022124.6(CDH23):c.7891A>C (p.Asn2631His)

Gene: CDH23 (cadherin related 23; plus strand). Cytogenetic location: 10q22.1.
Variant type: single nucleotide variant.
Coding change: c.7891A>C on transcript NM_022124.6 (MANE Select); coding-DNA position 7891, A replaced by C.
Protein change: p.Asn2631His; replaces asparagine 2631 with histidine.
Molecular consequence: missense variant.
Genome position (GRCh38, 1-based): chr10:71,805,824, A>C. VCF-style: chr10-71805824-A-C. GRCh37 (hg19) VCF-style: chr10-73565581-A-C.
Other names: c.1171A>C, p.Asn391His (NM_001171933.1, NM_001171934.1); short protein forms N2631H, N391H.
Identifiers: ClinVar variation 1397027 (VCV001397027.3), dbSNP rs372692810, ClinGen allele CA5546473.
Genomic context (GRCh38, chr10:71,805,824, plus strand): 5'-CTTTCAGGGGTCCAGGAGCCTTCCTCCCCATGCTCCCCACAGGAGATCCCGCTGCGCTCC[A>C]ACGTGTACGAGGTCTACGCCACGGACAAGGATGAGGGCCTCAACGGGGCGGTGCGCTACA-3'
Protein context (NP_071407.4, residues 2621-2641): HIREEIPLRS[Asn2631His]VYEVYATDKD

ClinVar aggregate classification (germline): Uncertain significance (1 of 4 stars; one submission).

Allele frequency attached by ClinVar (database versions not stated): gnomAD exomes 0.00003; ESP Exome Variant Server 0.00008; ExAC 0.00003; 1000 Genomes Project 30x 0.00031; 1000 Genomes Project 0.00040.
gnomAD v4.1: 12 of 1,613,528 alleles (0.00074%); highest among the groups gnomAD compares: Admixed American, 0.0083%; 1 homozygote.

Submission:

Labcorp Genetics (formerly Invitae), Labcorp
Classification: Uncertain significance. Last evaluated: 2022-09-01. Review status: criteria provided, single submitter. Criteria: Invitae Variant Classification Sherloc (09022015). Collection method: clinical testing. Allele origin: germline.
Comment: This sequence change replaces asparagine, which is neutral and polar, with histidine, which is basic and polar, at codon 2631 of the CDH23 protein (p.Asn2631His). This variant is present in population databases (rs372692810, gnomAD 0.03%). This variant has not been reported in the literature in individuals affected with CDH23-related conditions. ClinVar contains an entry for this variant (Variation ID: 1397027). Algorithms developed to predict the effect of missense changes on protein structure and function are either unavailable or do not agree on the potential impact of this missense change (SIFT: "Deleterious"; PolyPhen-2: "Not Available"; Align-GVGD: "Class C0"). In summary, the available evidence is currently insufficient to determine the role of this variant in disease. Therefore, it has been classified as a Variant of Uncertain Significance.